The following is an entry in ClinVar:

ClinVar aggregate classification (germline): Uncertain significance (1 of 4 stars; one submission).

Conditions:
Von Hippel-Lindau syndrome (VHLS). Also called: Von Hippel-Lindau; von Hippel–Lindau syndrome; VHL syndrome. Identifiers: Orphanet 892, MedGen C0019562, MONDO:0008667, OMIM 193300. Disease mechanism: loss of function.
Chuvash polycythemia. Also called: POLYCYTHEMIA, VHL-DEPENDENT. Identifiers: Orphanet 238557, MedGen C1837915, MONDO:0009892, OMIM 263400.

Submission:

Labcorp Genetics (formerly Invitae), Labcorp
Classification: Uncertain significance for Von Hippel-Lindau syndrome; Chuvash polycythemia. Last evaluated: 2022-03-01. Review status: criteria provided, single submitter. Criteria: Invitae Variant Classification Sherloc (09022015). Collection method: clinical testing. Allele origin: germline.
Comment: In summary, the available evidence is currently insufficient to determine the role of this variant in disease. Therefore, it has been classified as a Variant of Uncertain Significance. Advanced modeling of protein sequence and biophysical properties (such as structural, functional, and spatial information, amino acid conservation, physicochemical variation, residue mobility, and thermodynamic stability) performed at Invitae indicates that this missense variant is expected to disrupt VHL protein function. This variant has not been reported in the literature in individuals affected with VHL-related conditions. This variant is not present in population databases (gnomAD no frequency). This sequence change replaces lysine, which is basic and polar, with glutamic acid, which is acidic and polar, at codon 171 of the VHL protein (p.Lys171Glu).

NM_000551.4(VHL):c.511A>G (p.Lys171Glu)

Genes: VHL (von Hippel-Lindau tumor suppressor; plus strand), LOC107303340 (3p25 von Hippel-Lindau tumor suppressor, E3 ubiquitin protein ligase Alu-mediated recombination region; plus strand). Cytogenetic location: 3p25.3.
Variant type: single nucleotide variant.
Coding change: c.511A>G on transcript NM_000551.4 (MANE Select); coding-DNA position 511, A replaced by G.
Protein change: p.Lys171Glu; replaces lysine 171 with glutamic acid.
Molecular consequence: missense variant. On other transcripts: 3 prime UTR variant (1).
Genome position (GRCh38, 1-based): chr3:10,149,834, A>G. VCF-style: chr3-10149834-A-G. GRCh37 (hg19) VCF-style: chr3-10191518-A-G.
Other names: c.*65A>G (NM_001354723.2); c.388A>G, p.Lys130Glu (NM_198156.3); short protein forms K130E, K171E.
Identifiers: ClinVar variation 2136919 (VCV002136919.4), dbSNP rs2125130573, ClinGen allele CA351756198.